The following is an entry in ClinVar:

NC_000012.11:g.(?_52189566)_(52201213_?)dup

Gene: SCN8A (sodium voltage-gated channel alpha subunit 8; plus strand). Cytogenetic location: 12q13.13.
Variant type: Duplication.
Identifiers: ClinVar variation 3244263 (VCV003244263.1).

ClinVar aggregate classification (germline): Uncertain significance (1 of 4 stars; one submission).

Conditions:
Developmental and epileptic encephalopathy. Identifiers: MedGen C5779964, MONDO:0100620.

Submission:

Labcorp Genetics (formerly Invitae), Labcorp
Classification: Uncertain significance for Early-infantile DEE. Last evaluated: 2023-10-15. Review status: criteria provided, single submitter. Criteria: Invitae Variant Classification Sherloc (09022015). Collection method: clinical testing. Allele origin: unknown.
Comment: This variant results in a copy number gain of the genomic region encompassing exon(s) 27 of the SCN8A gene. This region includes the termination codon of the gene. This copy number gain extends beyond the assayed region for this gene and therefore may encompass additional genes. As the precise location of this event is unknown, it may be in tandem or it may be located elsewhere in the genome. This variant has not been reported in the literature in individuals affected with SCN8A-related conditions. In summary, the available evidence is currently insufficient to determine the role of this variant in disease. Therefore, it has been classified as a Variant of Uncertain Significance.